The following is an entry in ClinVar:

ClinVar aggregate classification (germline): Likely pathogenic (1 of 4 stars; one submission).

Conditions:
Hereditary spastic paraplegia 75. Also called: Spastic paraplegia 75, autosomal recessive. Identifiers: Orphanet 459056, MedGen C4225250, MONDO:0014729, OMIM 616680.

Submission:

Neuberg Centre For Genomic Medicine, NCGM
Classification: Likely pathogenic for Hereditary spastic paraplegia 75. Review status: criteria provided, single submitter. Criteria: ACMG Guidelines, 2015. Collection method: clinical testing. Allele origin: germline. Inheritance: Autosomal recessive inheritance. Affected: yes.
Comment: The frameshift variant c.470del (p.Val157AlafsTer16) in MAG gene has not been reported previously as a pathogenic variant nor as a benign variant, to our knowledge. The p.Val157AlafsTer16 variant is novel (not in any individuals) in gnomAD Exomes and is novel (not in any individuals) in 1000 Genomes. This variant is predicted to cause loss of normal protein function through protein truncation. Loss of function variants have been previously reported to be disease causing. For these reasons, this variant has been classified as Likely Pathogenic.

NM_002361.4(MAG):c.470del (p.Val157fs)

Gene: MAG (myelin associated glycoprotein; plus strand). Cytogenetic location: 19q13.12.
Variant type: Deletion.
Coding change: c.470del on transcript NM_002361.4 (MANE Select); coding-DNA position 470, one base deleted (T; older notation c.470delT).
Protein change: p.Val157fs; shifts the reading frame from valine 157.
Molecular consequence: frameshift variant.
Genome position (GRCh38, 1-based): chr19:35,299,608, T deleted. VCF-style (leftmost placement, unchanged base first): chr19-35299607-GT-G. GRCh37 (hg19) VCF-style: chr19-35790510-GT-G.
Other names: c.395del, p.Val132fs (NM_001199216.2); c.470del, p.Val157fs (NM_080600.3); short protein forms V157fs, V132fs.
Identifiers: ClinVar variation 2585566 (VCV002585566.1), dbSNP rs2513582014, ClinGen allele CA2582342954.